The following is an entry in ClinVar:

ClinVar aggregate classification (germline): Likely pathogenic (1 of 4 stars; one submission).

Conditions:
Autosomal recessive polycystic kidney disease (ARPKD). Also called: AR polycystic kidney disease. Identifiers: Orphanet 731, Orphanet 8378, MedGen C0085548, MeSH D017044, MONDO:0009889.

Submission:

Labcorp Genetics (formerly Invitae), Labcorp
Classification: Likely pathogenic for Autosomal recessive polycystic kidney disease. Last evaluated: 2022-08-16. Review status: criteria provided, single submitter. Criteria: Invitae Variant Classification Sherloc (09022015). Collection method: clinical testing. Allele origin: germline.
Comment: In summary, the currently available evidence indicates that the variant is pathogenic, but additional data are needed to prove that conclusively. Therefore, this variant has been classified as Likely Pathogenic. Advanced modeling of protein sequence and biophysical properties (such as structural, functional, and spatial information, amino acid conservation, physicochemical variation, residue mobility, and thermodynamic stability) performed at Invitae indicates that this missense variant is expected to disrupt PKHD1 protein function. ClinVar contains an entry for this variant (Variation ID: 860453). This missense change has been observed in individual(s) with clinical features of polycystic kidney disease (Invitae). This variant is not present in population databases (gnomAD no frequency). This sequence change replaces serine, which is neutral and polar, with proline, which is neutral and non-polar, at codon 2833 of the PKHD1 protein (p.Ser2833Pro).

NM_138694.4(PKHD1):c.8497T>C (p.Ser2833Pro)

Gene: PKHD1 (PKHD1 ciliary IPT domain containing fibrocystin/polyductin; minus strand). Cytogenetic location: 6p12.3.
Variant type: single nucleotide variant.
Coding change: c.8497T>C on transcript NM_138694.4 (MANE Select); coding-DNA position 8497, T replaced by C.
Protein change: p.Ser2833Pro; replaces serine 2833 with proline.
Molecular consequence: missense variant.
Genome position (GRCh38, 1-based): chr6:51,775,865, A>G on the plus strand (T>C on the coding strand, the complement: PKHD1 is on the minus strand). VCF-style: chr6-51775865-A-G. GRCh37 (hg19) VCF-style: chr6-51640663-A-G.
Other names: c.8497T>C, p.Ser2833Pro (NM_170724.3); short protein forms S2833P.
Identifiers: ClinVar variation 860453 (VCV000860453.10), dbSNP rs1790936941, ClinGen allele CA364438101.
Genomic context (GRCh38, chr6:51,775,865, plus strand): 5'-TACCAATTGTTCCTGGGTCAATATGAATTCCATTCATACGGTCACAAAAGACTCCCTCTG[A>G]GGCTCTAAGGAGAATCAGAAGCTTTTGTTCCTTTTCTAAGGGATTTTCTAAAGTACCTGT-3'
Protein context (NP_619639.3, residues 2823-2843): EQKLLILLRA[Ser2833Pro]EGVFCDRMNG